The following is an entry in ClinVar:

NM_004614.5(TK2):c.86C>T (p.Pro29Leu)

Genes: TK2 (thymidine kinase 2; minus strand), LOC130059156 (ATAC-STARR-seq lymphoblastoid silent region 7560; plus strand). Cytogenetic location: 16q21.
Variant type: single nucleotide variant.
Coding change: c.86C>T on transcript NM_004614.5 (MANE Select); coding-DNA position 86, C replaced by T.
Protein change: p.Pro29Leu; replaces proline 29 with leucine.
Molecular consequence: missense variant. On other transcripts: 5 prime UTR variant (2), non-coding transcript variant (1), intron variant (2).
Genome position (GRCh38, 1-based): chr16:66,549,976, G>A on the plus strand (C>T on the coding strand, the complement: TK2 is on the minus strand). VCF-style: chr16-66549976-G-A. GRCh37 (hg19) VCF-style: chr16-66583879-G-A.
Other names: c.86C>T, p.Pro29Leu (NM_001172644.2, NM_001172645.2); c.-157C>T (NM_001271934.2); c.-567C>T (NM_001272050.2); c.31+277C>T (NM_001271935.1, NM_001172643.1); short protein forms P29L.
Identifiers: ClinVar variation 2754482 (VCV002754482.3), dbSNP rs957243665, ClinGen allele CA396193598.
Genomic context (GRCh38, chr16:66,549,976, plus strand): 5'-GCGGGACCAAGACGCGCGTTACCGGGAGGCCAGGCCCGGCGCTGCACCCTCCGCGGCCCG[G>A]GGCCTGAGGCCGGGCTCCCGCGACTTCCCGGCCCAAAGCAGCGCAGCGCCCGGGCGGCCC-3'
Protein context (NP_004605.4, residues 19-39): PGSRGSPASG[Pro29Leu]GPRRVQRRAW

ClinVar aggregate classification (germline): Uncertain significance (1 of 4 stars; one submission).

Submission:

Labcorp Genetics (formerly Invitae), Labcorp
Classification: Uncertain significance. Last evaluated: 2023-08-22. Review status: criteria provided, single submitter. Criteria: Invitae Variant Classification Sherloc (09022015). Collection method: clinical testing. Allele origin: germline.
Comment: This sequence change replaces proline, which is neutral and non-polar, with leucine, which is neutral and non-polar, at codon 29 of the TK2 protein (p.Pro29Leu). This variant is not present in population databases (gnomAD no frequency). This variant has not been reported in the literature in individuals affected with TK2-related conditions. Advanced modeling of protein sequence and biophysical properties (such as structural, functional, and spatial information, amino acid conservation, physicochemical variation, residue mobility, and thermodynamic stability) performed at Invitae indicates that this missense variant is not expected to disrupt TK2 protein function. In summary, the available evidence is currently insufficient to determine the role of this variant in disease. Therefore, it has been classified as a Variant of Uncertain Significance.